The following is an entry in ClinVar:

ClinVar aggregate classification (germline): Uncertain significance. Review status: criteria provided, multiple submitters, no conflicts (2 of 4 stars). 2 submissions from 2 submitters: Uncertain significance (2). Last evaluated 2026-05-12.

gnomAD v4.1: 7 of 1,612,014 alleles (0.00043%); highest among the groups gnomAD compares: Non-Finnish European, 0.00059%; no homozygotes.

Submissions (2):

GeneDx
Classification: Uncertain significance. Last evaluated: 2026-05-12. Review status: criteria provided, single submitter. Criteria: GeneDx Variant Classification Process June 2021. Collection method: clinical testing. Allele origin: germline.
Comment: Not observed at significant frequency in large population cohorts (gnomAD); In silico analysis suggests that this missense variant does not alter protein structure/function; Has not been previously published as pathogenic or benign to our knowledge

Labcorp Genetics (formerly Invitae), Labcorp
Classification: Uncertain significance. Last evaluated: 2024-06-05. Review status: criteria provided, single submitter. Criteria: Invitae Variant Classification Sherloc (09022015). Collection method: clinical testing. Allele origin: germline.
Comment: This sequence change replaces serine, which is neutral and polar, with arginine, which is basic and polar, at codon 190 of the TGFB1 protein (p.Ser190Arg). This variant is not present in population databases (gnomAD no frequency). This variant has not been reported in the literature in individuals affected with TGFB1-related conditions. An algorithm developed to predict the effect of missense changes on protein structure and function (PolyPhen-2) suggests that this variant is likely to be tolerated. In summary, the available evidence is currently insufficient to determine the role of this variant in disease. Therefore, it has been classified as a Variant of Uncertain Significance.

NM_000660.7(TGFB1):c.570C>G (p.Ser190Arg)

Gene: TGFB1 (transforming growth factor beta 1; minus strand). Cytogenetic location: 19q13.2.
Variant type: single nucleotide variant.
Coding change: c.570C>G on transcript NM_000660.7 (MANE Select); coding-DNA position 570, C replaced by G.
Protein change: p.Ser190Arg; replaces serine 190 with arginine.
Molecular consequence: missense variant.
Genome position (GRCh38, 1-based): chr19:41,344,811, G>C on the plus strand (C>G on the coding strand, the complement: TGFB1 is on the minus strand). VCF-style: chr19-41344811-G-C. GRCh37 (hg19) VCF-style: chr19-41850716-G-C.
Other names: c.570C>G (NM_000660.4); short protein forms S190R.
Identifiers: ClinVar variation 2972614 (VCV002972614.5), dbSNP rs779809888, ClinGen allele CA308512747.